The following is an entry in ClinVar:

NM_001278716.2(FBXL4):c.1760T>C (p.Leu587Pro)

Gene: FBXL4 (F-box and leucine rich repeat protein 4; minus strand). Cytogenetic location: 6q16.1.
Variant type: single nucleotide variant.
Coding change: c.1760T>C on transcript NM_001278716.2 (MANE Select); coding-DNA position 1760, T replaced by C.
Protein change: p.Leu587Pro; replaces leucine 587 with proline.
Molecular consequence: missense variant. On other transcripts: non-coding transcript variant (1).
Genome position (GRCh38, 1-based): chr6:98,874,384, A>G on the plus strand (T>C on the coding strand, the complement: FBXL4 is on the minus strand). VCF-style: chr6-98874384-A-G. GRCh37 (hg19) VCF-style: chr6-99322260-A-G.
Other names: c.1760T>C (NM_012160.3); c.1760T>C, p.Leu587Pro (NM_012160.5); short protein forms L587P.
Identifiers: ClinVar variation 437810 (VCV000437810.3), dbSNP rs773572240, ClinGen allele CA3933347.

ClinVar aggregate classification (germline): Uncertain significance. Review status: criteria provided, multiple submitters, no conflicts (2 of 4 stars). 2 submissions from 2 submitters: Uncertain significance (2). Last evaluated 2026-04-09.

Conditions:
Mitochondrial DNA depletion syndrome 13. Also called: Mitochondrial DNA depletion syndrome 13 (encephalomyopathic type); FBXL4-Related Encephalomyopathic Mitochondrial DNA Depletion Syndrome. Identifiers: Orphanet 369897, MedGen C3809592, MONDO:0014198, OMIM 615471.

Allele frequency attached by ClinVar (database versions not stated): gnomAD exomes below 0.00001; ExAC 0.00001.

Submissions (2):

GeneDx
Classification: Uncertain significance. Last evaluated: 2026-04-09. Review status: criteria provided, single submitter. Criteria: GeneDx Variant Classification Process June 2021. Collection method: clinical testing. Allele origin: germline.
Comment: Not observed at significant frequency in large population cohorts (gnomAD); In silico analysis supports that this missense variant has a deleterious effect on protein structure/function; Has not been previously published as pathogenic or benign to our knowledge

Wong Mito Lab, Molecular and Human Genetics, Baylor College of Medicine
Classification: Uncertain significance for Mitochondrial DNA depletion syndrome 13. Last evaluated: 2017-08-10. Review status: criteria provided, single submitter. Criteria: ACMG Guidelines, 2015. Collection method: reference population. Allele origin: germline.
Comment: The NM_012160.4:c.1760T>C (NP_036292.2:p.Leu587Pro) [GRCH38: NC_000006.12:g.98874384A>G] variant in FBXL4 gene is interpretated to be a Uncertain Significance - Insufficient Evidence based on ACMG guidelines (PMID: 25741868). This variant meets one or more of the following evidence codes reported in the ACMG-guideline. PM2:This variant is absent in key population databases. PP3:Computational evidence/predictors indicate the variant has deleterious effect on FBXL4 structure, function, or protein-protein interaction. Based on this evidence code ClinGen Pathogenicity Calculator (PMID:28081714) suggested that the variant is Uncertain Significance - Insufficient Evidence.